The following is an entry in ClinVar:

NM_001184.4(ATR):c.5985C>G (p.Asn1995Lys)

Gene: ATR (ATR checkpoint kinase; minus strand). Cytogenetic location: 3q23.
Variant type: single nucleotide variant.
Coding change: c.5985C>G on transcript NM_001184.4 (MANE Select); coding-DNA position 5985, C replaced by G.
Protein change: p.Asn1995Lys; replaces asparagine 1995 with lysine.
Molecular consequence: missense variant.
Genome position (GRCh38, 1-based): chr3:142,493,225, G>C on the plus strand (C>G on the coding strand, the complement: ATR is on the minus strand). VCF-style: chr3-142493225-G-C. GRCh37 (hg19) VCF-style: chr3-142212067-G-C.
Other names: c.5793C>G, p.Asn1931Lys (NM_001354579.2); short protein forms N1995K, N1931K.
Identifiers: ClinVar variation 1750860 (VCV001750860.2), dbSNP rs1038973468, ClinGen allele CA84757291.

ClinVar aggregate classification (germline): Uncertain significance (1 of 4 stars; one submission).

Conditions:
Inborn genetic diseases. Identifiers: MedGen C0950123, MeSH D030342.

Allele frequency attached by ClinVar (database versions not stated): TOPMed below 0.00001.
gnomAD v4.1: 1 of 1,613,890 alleles (0.000062%); highest among the groups gnomAD compares: African/African-American, 0.0013%; no homozygotes.

Submission:

Ambry Genetics
Classification: Uncertain significance for Inborn genetic diseases. Last evaluated: 2021-12-29. Review status: criteria provided, single submitter. Criteria: Ambry Variant Classification Scheme 2023. Collection method: clinical testing. Allele origin: germline.
Comment: The p.N1995K variant (also known as c.5985C>G), located in coding exon 35 of the ATR gene, results from a C to G substitution at nucleotide position 5985. The asparagine at codon 1995 is replaced by lysine, an amino acid with similar properties. This amino acid position is conserved. In addition, this alteration is predicted to be tolerated by in silico analysis. Since supporting evidence is limited at this time, the clinical significance of this alteration remains unclear.